The following is an entry in ClinVar:

ClinVar aggregate classification (germline): Uncertain significance (1 of 4 stars; one submission).

Submission:

GeneDx
Classification: Uncertain significance. Last evaluated: 2018-05-07. Review status: criteria provided, single submitter. Criteria: GeneDx Variant Classification (06012015). Collection method: clinical testing. Allele origin: germline. Affected: yes.
Comment: The G151E variant in the L1CAM gene has not been reported previously as a pathogenic variant, nor as a benign variant, to our knowledge. The G151E variant is not observed in large population cohorts (Lek et al., 2016; 1000 Genomes Consortium et al., 2015; Exome Variant Server). The G151E variant is a non-conservative amino acid substitution, which occurs at a position that is conserved across species. In silico analysis predicts this variant is probably damaging to the protein structure/function. We interpret G151E as a variant of uncertain significance

NM_001278116.2(L1CAM):c.452G>A (p.Gly151Glu)

Gene: L1CAM (L1 cell adhesion molecule; minus strand). Cytogenetic location: Xq28.
Variant type: single nucleotide variant.
Coding change: c.452G>A on transcript NM_001278116.2 (MANE Select); coding-DNA position 452, G replaced by A.
Protein change: p.Gly151Glu; replaces glycine 151 with glutamic acid.
Molecular consequence: missense variant.
Genome position (GRCh38, 1-based): chrX:153,871,128, C>T on the plus strand (G>A on the coding strand, the complement: L1CAM is on the minus strand). VCF-style: chrX-153871128-C-T. GRCh37 (hg19) VCF-style: chrX-153136583-C-T.
Other names: c.452G>A, p.Gly151Glu (NM_000425.5, NM_024003.3); c.437G>A, p.Gly146Glu (NM_001143963.2); short protein forms G151E, G146E.
Identifiers: ClinVar variation 423199 (VCV000423199.2), dbSNP rs1064796291, ClinGen allele CA16621238.